The following is an entry in ClinVar:

NM_001365276.2(TNXB):c.8217G>C (p.Leu2739=)

Gene: TNXB (tenascin XB; minus strand). Cytogenetic location: 6p21.33.
Variant type: single nucleotide variant.
Coding change: c.8217G>C on transcript NM_001365276.2 (MANE Select); coding-DNA position 8217, G replaced by C.
Protein change: p.Leu2739=; no amino-acid change (leucine 2739 retained).
Molecular consequence: synonymous variant.
Genome position (GRCh38, 1-based): chr6:32,056,101, C>G on the plus strand (G>C on the coding strand, the complement: TNXB is on the minus strand). VCF-style: chr6-32056101-C-G. GRCh37 (hg19) VCF-style: chr6-32023878-C-G.
Other names: c.8217G>C, p.Leu2739= (NM_019105.8); c.8217G>C (NM_019105.6).
Identifiers: ClinVar variation 3025598 (VCV003025598.24), dbSNP rs765670001, ClinGen allele CA3733915.

ClinVar aggregate classification (germline): Likely benign. Review status: criteria provided, multiple submitters, no conflicts (2 of 4 stars). 3 submissions from 3 submitters: Likely benign (3). Last evaluated 2025-11-24.

Conditions:
Cardiovascular phenotype. Identifiers: MedGen CN230736.

Allele frequency attached by ClinVar (database versions not stated): ExAC 0.00003; gnomAD 0.00003; TOPMed 0.00003.
gnomAD v4.1: 25 of 1,612,590 alleles (0.0016%); highest among the groups gnomAD compares: Middle Eastern, 0.033%; no homozygotes.

Submissions (3):

Labcorp Genetics (formerly Invitae), Labcorp
Classification: Likely benign. Last evaluated: 2025-11-24. Review status: criteria provided, single submitter. Criteria: Invitae Variant Classification Sherloc (09022015). Collection method: clinical testing. Allele origin: germline.

CeGaT Center for Human Genetics Tuebingen
Classification: Likely benign. Last evaluated: 2024-01-01. Review status: criteria provided, single submitter. Criteria: CeGaT Center For Human Genetics Tuebingen Variant Classification Criteria Version 2. Collection method: clinical testing. Allele origin: germline. Affected: yes. Observed: 1 variant allele.
Comment: TNXB: BP4, BP7

Ambry Genetics
Classification: Likely benign for Cardiovascular phenotype. Last evaluated: 2023-12-21. Review status: criteria provided, single submitter. Criteria: Ambry Variant Classification Scheme 2023. Collection method: clinical testing. Allele origin: germline.